The following is an entry in ClinVar:

ClinVar aggregate classification (germline): Uncertain significance (1 of 4 stars; one submission).

Submission:

Labcorp Genetics (formerly Invitae), Labcorp
Classification: Uncertain significance. Last evaluated: 2023-10-18. Review status: criteria provided, single submitter. Criteria: Invitae Variant Classification Sherloc (09022015). Collection method: clinical testing. Allele origin: germline.
Comment: This sequence change falls in intron 12 of the GRIN2D gene. It does not directly change the encoded amino acid sequence of the GRIN2D protein. It affects a nucleotide within the consensus splice site. This variant is not present in population databases (gnomAD no frequency). This variant has not been reported in the literature in individuals affected with GRIN2D-related conditions. Variants that disrupt the consensus splice site are a relatively common cause of aberrant splicing (PMID: 17576681, 9536098). Algorithms developed to predict the effect of sequence changes on RNA splicing suggest that this variant may disrupt the consensus splice site. In summary, the available evidence is currently insufficient to determine the role of this variant in disease. Therefore, it has been classified as a Variant of Uncertain Significance.

Literature cited by the submitters: PubMed 17576681; PubMed 9536098.

NM_000836.4(GRIN2D):c.2673+1G>C

Gene: GRIN2D (glutamate ionotropic receptor NMDA type subunit 2D; plus strand). Cytogenetic location: 19q13.33.
Variant type: single nucleotide variant.
Coding change: c.2673+1G>C on transcript NM_000836.4 (MANE Select); the canonical splice donor site of the intron after coding-DNA position 2673, G replaced by C.
Molecular consequence: splice donor variant.
Genome position (GRCh38, 1-based): chr19:48,442,383, G>C. VCF-style: chr19-48442383-G-C. GRCh37 (hg19) VCF-style: chr19-48945640-G-C.
Identifiers: ClinVar variation 2749516 (VCV002749516.3), dbSNP rs1971307834, ClinGen allele CA406670697.